The following is an entry in ClinVar:

NM_001015880.2(PAPSS2):c.1741A>C (p.Ile581Leu)

Gene: PAPSS2 (3'-phosphoadenosine 5'-phosphosulfate synthase 2; plus strand). Cytogenetic location: 10q23.31.
Variant type: single nucleotide variant.
Coding change: c.1741A>C on transcript NM_001015880.2 (MANE Select); coding-DNA position 1741, A replaced by C.
Protein change: p.Ile581Leu; replaces isoleucine 581 with leucine.
Molecular consequence: missense variant.
Genome position (GRCh38, 1-based): chr10:87,745,851, A>C. VCF-style: chr10-87745851-A-C. GRCh37 (hg19) VCF-style: chr10-89505608-A-C.
Other names: c.1726A>C, p.Ile576Leu (NM_004670.4); short protein forms I576L, I581L.
Identifiers: ClinVar variation 2154559 (VCV002154559.4), dbSNP rs372168426, ClinGen allele CA5589843.
Genomic context (GRCh38, chr10:87,745,851, plus strand): 5'-CATTTACCTACACTGAGTTCTTTGTTGCCACCCTGTAACAGGCACAATGAGTTTGACTTC[A>C]TCTCAGGAACTCGAATGAGGAAGCTCGCCCGGGAAGGAGAGAATCCCCCAGATGGCTTCA-3'
Protein context (NP_001015880.1, residues 571-591): DPARHNEFDF[Ile581Leu]SGTRMRKLAR

ClinVar aggregate classification (germline): Uncertain significance (1 of 4 stars; one submission).

Conditions:
Spondyloepimetaphyseal dysplasia, PAPSS2 type. Also called: BRACHYOLMIA TYPE 4 WITH MILD EPIPHYSEAL AND METAPHYSEAL CHANGES; SPONDYLODYSPLASIA AND PREMATURE PUBARCHE; SEMD, PAKISTANI TYPE. Identifiers: Orphanet 93282, MedGen C2748516, MONDO:0019666, OMIM 612847.

gnomAD v4.1: 12 of 1,614,064 alleles (0.00074%); highest among the groups gnomAD compares: East Asian, 0.025%; no homozygotes.

Submission:

Labcorp Genetics (formerly Invitae), Labcorp
Classification: Uncertain significance for Spondyloepimetaphyseal dysplasia, PAPSS2 type. Last evaluated: 2022-07-11. Review status: criteria provided, single submitter. Criteria: Invitae Variant Classification Sherloc (09022015). Collection method: clinical testing. Allele origin: germline.
Comment: In summary, the available evidence is currently insufficient to determine the role of this variant in disease. Therefore, it has been classified as a Variant of Uncertain Significance. Algorithms developed to predict the effect of missense changes on protein structure and function are either unavailable or do not agree on the potential impact of this missense change (SIFT: "Deleterious"; PolyPhen-2: "Probably Damaging"; Align-GVGD: "Class C0"). This variant has not been reported in the literature in individuals affected with PAPSS2-related conditions. This variant is present in population databases (rs372168426, gnomAD 0.04%). This sequence change replaces isoleucine, which is neutral and non-polar, with leucine, which is neutral and non-polar, at codon 581 of the PAPSS2 protein (p.Ile581Leu).